The following is an entry in ClinVar:

ClinVar aggregate classification (germline): Uncertain significance. Review status: criteria provided, multiple submitters, no conflicts (2 of 4 stars). 5 submissions from 5 submitters: Uncertain significance (5). Last evaluated 2025-07-17.

Conditions:
SLCO1B3-related disorder. Also called: SLCO1B3-related condition.
Rotor syndrome (HBLRR). Also called: HYPERBILIRUBINEMIA, ROTOR TYPE; HYPERBILIRUBINEMIA, ROTOR TYPE, DIGENIC. Identifiers: Orphanet 3111, MedGen C0220991, MONDO:0009379, OMIM 237450.

Allele frequency attached by ClinVar (database versions not stated): gnomAD exomes 0.00011 and 0.00015; gnomAD 0.00013; ExAC 0.00014; ESP Exome Variant Server 0.00023; TOPMed 0.00043.
gnomAD v4.1: 263 of 1,602,868 alleles (0.016%); highest among the groups gnomAD compares: Non-Finnish European, 0.019%; no homozygotes.

Submissions (5):

PreventionGenetics, part of Exact Sciences
Classification: Uncertain significance for SLCO1B3-related condition. Last evaluated: 2025-07-17. Review status: criteria provided, single submitter. Criteria: ACMG Guidelines, 2015. Collection method: clinical testing. Allele origin: germline.
Comment: The SLCO1B3 c.413G>T variant is predicted to result in the amino acid substitution p.Ser138Ile. To our knowledge, this variant has not been reported in the literature. This variant is reported in 0.022% of alleles in individuals of European (Non-Finnish) descent in gnomAD. At this time, the clinical significance of this variant is uncertain due to the absence of conclusive functional and genetic evidence.

Ambry Genetics
Classification: Uncertain significance. Last evaluated: 2022-09-27. Review status: criteria provided, single submitter. Criteria: Ambry Variant Classification Scheme 2023. Collection method: clinical testing. Allele origin: germline.

Revvity Omics, Revvity
Classification: Uncertain significance for Rotor syndrome. Last evaluated: 2021-09-27. Review status: criteria provided, single submitter. Criteria: ACMG Guidelines, 2015. Collection method: clinical testing. Allele origin: germline.

Illumina Laboratory Services, Illumina
Classification: Uncertain significance for Rotor syndrome. Last evaluated: 2018-01-13. Review status: criteria provided, single submitter. Criteria: ICSL Variant Classification Criteria 13 December 2019. Collection method: clinical testing. Allele origin: germline.

Genomic Diagnostic Laboratory, Division of Genomic Diagnostics, Children's Hospital of Philadelphia
Classification: Uncertain significance. Last evaluated: 2015-11-06. Review status: criteria provided, single submitter. Criteria: DGD Variant Analysis Guidelines. Collection method: clinical testing. Allele origin: unknown.

NM_019844.4(SLCO1B3):c.413G>T (p.Ser138Ile)

Genes: SLCO1B3 (solute carrier organic anion transporter family member 1B3; plus strand), SLCO1B3-SLCO1B7 (SLCO1B3-SLCO1B7 readthrough; plus strand). Cytogenetic location: 12p12.2.
Variant type: single nucleotide variant.
Coding change: c.413G>T on transcript NM_019844.4 (MANE Select); coding-DNA position 413, G replaced by T.
Protein change: p.Ser138Ile; replaces serine 138 with isoleucine.
Molecular consequence: missense variant.
Genome position (GRCh38, 1-based): chr12:20,861,070, G>T. VCF-style: chr12-20861070-G-T. GRCh37 (hg19) VCF-style: chr12-21014004-G-T.
Other names: c.329G>T, p.Ser110Ile (NM_001349920.2); c.413G>T (NM_019844.2); short protein forms S138I, S110I.
Identifiers: ClinVar variation 252725 (VCV000252725.9), dbSNP rs369529563, ClinGen allele CA6475169.